The following is an entry in ClinVar:

ClinVar aggregate classification (germline): Uncertain significance (1 of 4 stars; one submission).

Conditions:
Inborn genetic diseases. Identifiers: MedGen C0950123, MeSH D030342.

gnomAD v4.1: 19 of 1,613,818 alleles (0.0012%); highest among the groups gnomAD compares: East Asian, 0.0022%; no homozygotes.

Submission:

Ambry Genetics
Classification: Uncertain significance for Inborn genetic diseases. Last evaluated: 2025-11-30. Review status: criteria provided, single submitter. Criteria: Ambry Variant Classification Scheme 2023. Collection method: clinical testing. Allele origin: germline.
Comment: The p.I576V variant (also known as c.1726A>G), located in coding exon 1 of the SAMD9 gene, results from an A to G substitution at nucleotide position 1726. The isoleucine at codon 576 is replaced by valine, an amino acid with highly similar properties. This amino acid position is conserved. In addition, this alteration is predicted to be tolerated by in silico analysis. Based on the available evidence, the clinical significance of this variant remains unclear.

NM_017654.4(SAMD9):c.1726A>G (p.Ile576Val)

Gene: SAMD9 (sterile alpha motif domain containing 9; minus strand). Cytogenetic location: 7q21.2.
Variant type: single nucleotide variant.
Coding change: c.1726A>G on transcript NM_017654.4 (MANE Select); coding-DNA position 1726, A replaced by G.
Protein change: p.Ile576Val; replaces isoleucine 576 with valine.
Molecular consequence: missense variant.
Genome position (GRCh38, 1-based): chr7:93,104,372, T>C on the plus strand (A>G on the coding strand, the complement: SAMD9 is on the minus strand). VCF-style: chr7-93104372-T-C. GRCh37 (hg19) VCF-style: chr7-92733685-T-C.
Other names: c.1726A>G, p.Ile576Val (NM_001193307.2); short protein forms I576V.
Identifiers: ClinVar variation 4629974 (VCV004629974.1).